The following is an entry in ClinVar:

NM_014875.3(KIF14):c.3886+1G>A

Gene: KIF14 (kinesin family member 14; minus strand). Cytogenetic location: 1q32.1.
Variant type: single nucleotide variant.
Coding change: c.3886+1G>A on transcript NM_014875.3 (MANE Select); the canonical splice donor site of the intron after coding-DNA position 3886, G replaced by A.
Molecular consequence: splice donor variant.
Genome position (GRCh38, 1-based): chr1:200,565,444, C>T on the plus strand (G>A on the coding strand, the complement: KIF14 is on the minus strand). VCF-style: chr1-200565444-C-T. GRCh37 (hg19) VCF-style: chr1-200534572-C-T.
Other names: c.2413+1G>A (NM_001305792.1).
Identifiers: ClinVar variation 3075977 (VCV003075977.1), dbSNP rs1657393926, ClinGen allele CA344122816.

ClinVar aggregate classification (germline): Uncertain significance (1 of 4 stars; one submission).

Submission:

Laboratory for Molecular Medicine, Mass General Brigham Personalized Medicine
Classification: Uncertain significance. Last evaluated: 2024-01-29. Review status: criteria provided, single submitter. Criteria: ACMG Guidelines, 2015. Collection method: clinical testing. Allele origin: germline.
Comment: The c.3886+1G>A variant in KIF14 has not been previously reported in individuals with KIF14 related disorders and was absent from large population studies. This variant occurs within the canonical splice site (+/- 1,2) and is predicted to cause altered splicing leading to an abnormal or absent protein. However, exon 24, which is impacted by this variant is in frame and consists of 225 base pairs and encodes less than 10% of the KIF14 protein. In summary, while there is some suspicion for a pathogenic role, the clinical significance of this variant is uncertain. ACMG/AMP Criteria applied: PVS1_Moderate, PM2_Supporting.